The following is an entry in ClinVar:

ClinVar aggregate classification (germline): Pathogenic. Review status: criteria provided, multiple submitters, no conflicts (2 of 4 stars). 2 submissions from 2 submitters: Pathogenic (2). Last evaluated 2025-03-13.

Conditions:
Developmental delay with variable intellectual impairment and behavioral abnormalities. Identifiers: MedGen C5193092, MONDO:0032745, OMIM 618430.

Submissions (2):

3billion
Classification: Pathogenic for Developmental delay with variable intellectual impairment and behavioral abnormalities. Last evaluated: 2025-03-13. Review status: criteria provided, single submitter. Criteria: ACMG Guidelines, 2015. Collection method: clinical testing. Allele origin: germline. Affected: yes.

GeneDx
Classification: Pathogenic. Last evaluated: 2025-01-05. Review status: criteria provided, single submitter. Criteria: GeneDx Variant Classification Process June 2021. Collection method: clinical testing. Allele origin: germline. Affected: yes.
Comment: Frameshift variant predicted to result in protein truncation or nonsense mediated decay in a gene for which loss of function is a known mechanism of disease; Not observed at significant frequency in large population cohorts (gnomAD); This variant is associated with the following publications: (PMID: 30525188, 30819258)

Literature cited by the submitters: PubMed 30819258 (cited by 3billion).

NM_001378418.1(TCF20):c.5430dup (p.Ala1811fs)

Gene: TCF20 (transcription factor 20; minus strand). Cytogenetic location: 22q13.2.
Variant type: Duplication.
Coding change: c.5430dup on transcript NM_001378418.1 (MANE Select); coding-DNA position 5430, one base duplicated (A; older notation c.5430dupA).
Protein change: p.Ala1811fs; shifts the reading frame from alanine 1811.
Molecular consequence: frameshift variant.
Genome position (GRCh38, 1-based): chr22:42,209,876, T duplicated on the plus strand (A on the coding strand, the reverse complement: TCF20 is on the minus strand); the first of 6 consecutive T bases (chr22:42,209,876-42,209,881); duplicating any one gives the same sequence. VCF-style (leftmost placement, unchanged base first): chr22-42209875-C-CT. GRCh37 (hg19) VCF-style: chr22-42605881-C-CT.
Other names: c.5430dup, p.Ala1811fs (NM_005650.4, NM_181492.3); short protein forms A1811fs.
Identifiers: ClinVar variation 4055767 (VCV004055767.2).